The following is an entry in ClinVar:

ClinVar aggregate classification (germline): Likely pathogenic (1 of 4 stars; one submission).

Conditions:
Mowat-Wilson syndrome (MOWS). Also called: Classic Mowat-Wilson Syndrome. Identifiers: Orphanet 2152, MedGen C1856113, MONDO:0009341, OMIM 235730.

Submission:

Variantyx, Inc.
Classification: Likely pathogenic for Mowat-Wilson syndrome. Last evaluated: 2025-04-15. Review status: criteria provided, single submitter. Criteria: Variantyx Assertion Criteria 2022. Collection method: clinical testing. Allele origin: germline. Inheritance: Autosomal dominant inheritance. Affected: yes.
Comment: This is a frameshift variant in the ZEB2 gene (OMIM: 605802). Pathogenic variants in this gene have been associated with autosomal dominant Mowat-Wilson syndrome. This variant introduces a premature termination codon in exon 6 out of 10 and is expected to result in loss of function, which is a known disease mechanism for ZEB2 in this disorder (PMID: 16053902, 19842203) (PVS1). This variant is absent from control populations (PM2) and it has not been reported in individuals with ZEB2-related disorders in the databases available for review. Based on the current evidence, this variant is classified as likely pathogenic for autosomal dominant Mowat-Wilson syndrome.

Literature cited by the submitters: PubMed 16053902; PubMed 19842203.

NM_014795.4(ZEB2):c.621del (p.Phe207fs)

Gene: ZEB2 (zinc finger E-box binding homeobox 2; minus strand). Cytogenetic location: 2q22.3.
Variant type: Deletion.
Coding change: c.621del on transcript NM_014795.4 (MANE Select); coding-DNA position 621, one base deleted (T; older notation c.621delT).
Protein change: p.Phe207fs; shifts the reading frame from phenylalanine 207.
Molecular consequence: frameshift variant.
Genome position (GRCh38, 1-based): chr2:144,404,102, A deleted on the plus strand (T on the coding strand, the reverse complement: ZEB2 is on the minus strand); the first of 4 consecutive A bases (chr2:144,404,102-144,404,105); deleting any one gives the same sequence. VCF-style (leftmost placement, unchanged base first): chr2-144404101-CA-C. GRCh37 (hg19) VCF-style: chr2-145161668-CA-C.
Other names: c.549del, p.Phe183fs (NM_001171653.2); short protein forms F183fs, F207fs.
Identifiers: ClinVar variation 4852161 (VCV004852161.1).